The following is an entry in ClinVar:

ClinVar aggregate classification (germline): Likely pathogenic (1 of 4 stars; one submission).

Submission:

Labcorp Genetics (formerly Invitae), Labcorp
Classification: Likely pathogenic. Last evaluated: 2025-07-10. Review status: criteria provided, single submitter. Criteria: Invitae Variant Classification Sherloc (09022015). Collection method: clinical testing. Allele origin: germline.
Comment: This sequence change replaces asparagine, which is neutral and polar, with aspartic acid, which is acidic and polar, at codon 47 of the PAX3 protein (p.Asn47Asp). This variant is not present in population databases (gnomAD no frequency). This variant has not been reported in the literature in individuals affected with PAX3-related conditions. ClinVar contains an entry for this variant (Variation ID: 2049737). Invitae Evidence Modeling of protein sequence and biophysical properties (such as structural, functional, and spatial information, amino acid conservation, physicochemical variation, residue mobility, and thermodynamic stability) indicates that this missense variant is expected to disrupt PAX3 protein function with a positive predictive value of 80%. This variant disrupts the p.Asn47 amino acid residue in PAX3. Other variant(s) that disrupt this residue have been determined to be pathogenic (PMID: 8447316). This suggests that this residue is clinically significant, and that variants that disrupt this residue are likely to be disease-causing. In summary, the currently available evidence indicates that the variant is pathogenic, but additional data are needed to prove that conclusively. Therefore, this variant has been classified as Likely Pathogenic.

Literature cited by the submitters: PubMed 8447316.

NM_181458.4(PAX3):c.139A>G (p.Asn47Asp)

Gene: PAX3 (paired box 3; minus strand). Cytogenetic location: 2q36.1.
Variant type: single nucleotide variant.
Coding change: c.139A>G on transcript NM_181458.4 (MANE Select); coding-DNA position 139, A replaced by G.
Protein change: p.Asn47Asp; replaces asparagine 47 with aspartic acid.
Molecular consequence: missense variant.
Genome position (GRCh38, 1-based): chr2:222,297,160, T>C on the plus strand (A>G on the coding strand, the complement: PAX3 is on the minus strand). VCF-style: chr2-222297160-T-C. GRCh37 (hg19) VCF-style: chr2-223161879-T-C.
Other names: c.139A>G, p.Asn47Asp (NM_181459.4, NM_181460.4, NM_181461.4 and 4 more transcripts); short protein forms N47D.
Identifiers: ClinVar variation 2049737 (VCV002049737.4), dbSNP rs104893653, ClinGen allele CA351113741.